The following is an entry in ClinVar:

NM_006545.5(NPRL2):c.118G>A (p.Val40Ile)

Gene: NPRL2 (NPR2 like, GATOR1 complex subunit; minus strand). Cytogenetic location: 3p21.31.
Variant type: single nucleotide variant.
Coding change: c.118G>A on transcript NM_006545.5 (MANE Select); coding-DNA position 118, G replaced by A.
Protein change: p.Val40Ile; replaces valine 40 with isoleucine.
Molecular consequence: missense variant.
Genome position (GRCh38, 1-based): chr3:50,349,983, C>T on the plus strand (G>A on the coding strand, the complement: NPRL2 is on the minus strand). VCF-style: chr3-50349983-C-T. GRCh37 (hg19) VCF-style: chr3-50387414-C-T.
Other names: short protein forms V40I.
Identifiers: ClinVar variation 4882084 (VCV004882084.2).

ClinVar aggregate classification (germline): Uncertain significance (1 of 4 stars; one submission).

Submission:

Dasa
Classification: Uncertain significance. Last evaluated: 2025-04-04. Review status: criteria provided, single submitter. Criteria: DASA Assertion Criteria. Collection method: clinical testing. Allele origin: germline.
Comment: NM_006545.5(NPRL2):c.118G>A (p.Val40Ile) is a missense variant that results in the substitution of valine with isoleucine. This variant is absent from population databases. Computational prediction algorithms are consistent with a benign effect. The currently available literature and clinical evidence are not sufficient to establish a definitive association between this variant and the reported condition. Therefore, this variant is classified as a variant of uncertain significance.